The following is an entry in ClinVar:

NM_000132.4(F8):c.5558C>T (p.Ala1853Val)

Gene: F8 (coagulation factor VIII; minus strand). Cytogenetic location: Xq28.
Variant type: single nucleotide variant.
Coding change: c.5558C>T on transcript NM_000132.4 (MANE Select); coding-DNA position 5558, C replaced by T.
Protein change: p.Ala1853Val; replaces alanine 1853 with valine.
Molecular consequence: missense variant.
Genome position (GRCh38, 1-based): chrX:154,904,839, G>A on the plus strand (C>T on the coding strand, the complement: F8 is on the minus strand). VCF-style: chrX-154904839-G-A. GRCh37 (hg19) VCF-style: chrX-154133114-G-A.
Other names: F8, ALA1834VAL; A1834V; short protein forms A1853V.
Identifiers: ClinVar variation 10284 (VCV000010284.2), dbSNP rs28933677, ClinGen allele CA255174.
Genomic context (GRCh38, chrX:154,904,839, plus strand): 5'-AAAAGTGGTCAGCACAATAGACACCTGCTTACCAGGTCAACATCAGAGAAATAAGCCCAG[G>A]CTTTGCAGTCAAACTCATCTTTAGTGGGTGCCATATGATGTTGCACTTTCCAAAAGTAAG-3'
Protein context (NP_000123.1, residues 1843-1863): APTKDEFDCK[Ala1853Val]WAYFSDVDLE

ClinVar aggregate classification (germline): Likely pathogenic. Review status: criteria provided, single submitter (1 of 4 stars). 2 submissions from 2 submitters: Likely pathogenic (1). 1 of the submissions does not count toward it. Last evaluated 2025-05-05.

Conditions:
Hereditary factor VIII deficiency disease (HEMA). Also called: HEMOPHILIA, CLASSIC; Hemophilia A; Hemophilia A, congenital; HEM A; Factor 8 deficiency, congenital; AUTOSOMAL HEMOPHILIA A. Identifiers: Orphanet 98878, MedGen C0019069, MONDO:0010602, OMIM 306700.

Submissions (2):

Myriad Genetics, Inc.
Classification: Likely pathogenic for Hereditary factor VIII deficiency disease. Last evaluated: 2025-05-05. Review status: criteria provided, single submitter. Criteria: Myriad Autosomal Dominant, Autosomal Recessive and X-Linked Classification Criteria (2023). Collection method: clinical testing. Allele origin: unknown.
Comment: NM_000132.3(F8):c.5558C>T(A1853V) is a missense variant classified as likely pathogenic in the context of hemophilia A. A1853V has been observed in cases with relevant disease (PMID: 18387975, 32897612, 8307558). Relevant functional assessments of this variant are not available in the literature. A1853V has not been observed in referenced population frequency databases. In summary, NM_000132.3(F8):c.5558C>T(A1853V) is a missense variant that has been observed more frequently in cases with the relevant disease than in healthy populations. Please note: this variant was assessed in the context of healthy population screening.

OMIM
Classification: Pathogenic for HEMOPHILIA A. Last evaluated: 1993-12-01. Review status: no assertion criteria provided. Collection method: literature only. Allele origin: germline. Not counted in ClinVar's aggregate classification.

Literature cited by the submitters: PubMed 18387975 (cited by Myriad Genetics, Inc.); PubMed 32897612 (cited by Myriad Genetics, Inc.); PubMed 8307558 (cited by Myriad Genetics, Inc. and OMIM).